The following is an entry in ClinVar:

NM_001739.2(CA5A):c.429C>T (p.His143=)

Gene: CA5A (carbonic anhydrase 5A; minus strand). Cytogenetic location: 16q24.2.
Variant type: single nucleotide variant.
Coding change: c.429C>T on transcript NM_001739.2 (MANE Select); coding-DNA position 429, C replaced by T.
Protein change: p.His143=; no amino-acid change (histidine 143 retained).
Molecular consequence: synonymous variant. On other transcripts: non-coding transcript variant (1).
Genome position (GRCh38, 1-based): chr16:87,904,816, G>A on the plus strand (C>T on the coding strand, the complement: CA5A is on the minus strand). VCF-style: chr16-87904816-G-A. GRCh37 (hg19) VCF-style: chr16-87938422-G-A.
Other names: c.429C>T, p.His143= (NM_001367225.1); c.429C>T (NM_001739.1).
Identifiers: ClinVar variation 2059153 (VCV002059153.6), dbSNP rs754350788, ClinGen allele CA8223497.

ClinVar aggregate classification (germline): Likely benign. Review status: criteria provided, single submitter (1 of 4 stars). 2 submissions from 2 submitters: Likely benign (1). 1 of the submissions does not count toward it. Last evaluated 2026-01-19.

Conditions:
Hyperammonemic encephalopathy due to carbonic anhydrase VA deficiency. Also called: Carbonic Anhydrase VA Deficiency; Carbonic anhydrase VA deficiency, hyperammonemia due to. Identifiers: Orphanet 401948, MedGen C4706871, MONDO:0014332, OMIM 615751.
CA5A-related disorder. Also called: CA5A-related condition.

Allele frequency attached by ClinVar (database versions not stated): gnomAD 0.00002; ExAC 0.00003; gnomAD exomes 0.00005.
gnomAD v4.1: 74 of 1,612,358 alleles (0.0046%); highest among the groups gnomAD compares: Middle Eastern, 0.017%; no homozygotes.

Submissions (2):

Labcorp Genetics (formerly Invitae), Labcorp
Classification: Likely benign for Hyperammonemic encephalopathy due to carbonic anhydrase VA deficiency. Last evaluated: 2026-01-19. Review status: criteria provided, single submitter. Criteria: Invitae Variant Classification Sherloc (09022015). Collection method: clinical testing. Allele origin: germline.

PreventionGenetics, part of Exact Sciences
Classification: Likely benign for CA5A-related condition. Last evaluated: 2020-08-17. Review status: no assertion criteria provided. Collection method: clinical testing. Allele origin: germline. Not counted in ClinVar's aggregate classification.
Comment: This variant is classified as likely benign based on ACMG/AMP sequence variant interpretation guidelines (Richards et al. 2015 PMID: 25741868, with internal and published modifications).